The following is an entry in ClinVar:

NM_006757.4(TNNT3):c.722+3G>A

Gene: TNNT3 (troponin T3, fast skeletal type; plus strand). Cytogenetic location: 11p15.5.
Variant type: single nucleotide variant.
Coding change: c.722+3G>A on transcript NM_006757.4 (MANE Select); 3 bases into the intron after coding-DNA position 722, G replaced by A.
Molecular consequence: intron variant.
Genome position (GRCh38, 1-based): chr11:1,937,006, G>A. VCF-style: chr11-1937006-G-A. GRCh37 (hg19) VCF-style: chr11-1958236-G-A.
Other names: c.698+3G>A (NM_001297646.2, NM_001042782.3, NM_001367845.1 and 1 more transcripts); c.755+3G>A (NM_001367846.1); c.731+3G>A (NM_001363561.2, NM_001367847.1); c.716+3G>A (NM_001042781.3, NM_001367842.1); c.719+3G>A (NM_001367848.1); c.698+752G>A (NM_001042780.3); c.665+3G>A (NM_001367850.1); c.518+3G>A (NM_001367851.1, NM_001367852.1); and 3 more.
Identifiers: ClinVar variation 1421012 (VCV001421012.8), dbSNP rs771716631, ClinGen allele CA5816638.

ClinVar aggregate classification (germline): Uncertain significance. Review status: criteria provided, single submitter (1 of 4 stars). 2 submissions from 2 submitters: Uncertain significance (1). 1 of the submissions does not count toward it. Last evaluated 2022-07-25.

Conditions:
TNNT3-related disorder. Also called: TNNT3-related condition.

Allele frequency attached by ClinVar (database versions not stated): gnomAD 0.00001; gnomAD exomes 0.00003; TOPMed 0.00005; ExAC 0.00007.
gnomAD v4.1: 13 of 1,599,460 alleles (0.00081%); highest among the groups gnomAD compares: Admixed American, 0.022%; no homozygotes.

Submissions (2):

Labcorp Genetics (formerly Invitae), Labcorp
Classification: Uncertain significance. Last evaluated: 2022-07-25. Review status: criteria provided, single submitter. Criteria: Invitae Variant Classification Sherloc (09022015). Collection method: clinical testing. Allele origin: germline.
Comment: Variants that disrupt the consensus splice site are a relatively common cause of aberrant splicing (PMID: 17576681, 9536098). Algorithms developed to predict the effect of sequence changes on RNA splicing suggest that this variant is not likely to affect RNA splicing. In summary, the available evidence is currently insufficient to determine the role of this variant in disease. Therefore, it has been classified as a Variant of Uncertain Significance. ClinVar contains an entry for this variant (Variation ID: 1421012). This variant has not been reported in the literature in individuals affected with TNNT3-related conditions. This variant is present in population databases (rs771716631, gnomAD 0.03%). This sequence change falls in intron 15 of the TNNT3 gene. It does not directly change the encoded amino acid sequence of the TNNT3 protein. It affects a nucleotide within the consensus splice site.

PreventionGenetics, part of Exact Sciences
Classification: Likely benign for TNNT3-related condition. Last evaluated: 2019-06-18. Review status: no assertion criteria provided. Collection method: clinical testing. Allele origin: germline. Not counted in ClinVar's aggregate classification.
Comment: This variant is classified as likely benign based on ACMG/AMP sequence variant interpretation guidelines (Richards et al. 2015 PMID: 25741868, with internal and published modifications).

Literature cited by the submitters: PubMed 17576681 (cited by Labcorp Genetics (formerly Invitae), Labcorp); PubMed 9536098 (cited by Labcorp Genetics (formerly Invitae), Labcorp).